The following is an entry in ClinVar:

NM_001277115.2(DNAH11):c.6180G>C (p.Gln2060His)

Gene: DNAH11 (dynein axonemal heavy chain 11; plus strand). Cytogenetic location: 7p15.3.
Variant type: single nucleotide variant.
Coding change: c.6180G>C on transcript NM_001277115.2 (MANE Select); coding-DNA position 6180, G replaced by C.
Protein change: p.Gln2060His; replaces glutamine 2060 with histidine.
Molecular consequence: missense variant.
Genome position (GRCh38, 1-based): chr7:21,698,213, G>C. VCF-style: chr7-21698213-G-C. GRCh37 (hg19) VCF-style: chr7-21737831-G-C.
Other names: short protein forms Q2060H.
Identifiers: ClinVar variation 1402725 (VCV001402725.6), dbSNP rs1481391495, ClinGen allele CA366935555.

ClinVar aggregate classification (germline): Uncertain significance (1 of 4 stars; one submission).

Conditions:
Primary ciliary dyskinesia. Also called: Ciliary dyskinesia. Identifiers: Orphanet 244, MedGen C0008780, MONDO:0016575, HP:0012265.

Submission:

Labcorp Genetics (formerly Invitae), Labcorp
Classification: Uncertain significance for Primary ciliary dyskinesia. Last evaluated: 2021-06-25. Review status: criteria provided, single submitter. Criteria: Invitae Variant Classification Sherloc (09022015). Collection method: clinical testing. Allele origin: germline.
Comment: This sequence change replaces glutamine with histidine at codon 2060 of the DNAH11 protein (p.Gln2060His). The glutamine residue is highly conserved and there is a small physicochemical difference between glutamine and histidine. This variant also falls at the last nucleotide of exon 36, which is part of the consensus splice site for this exon. This variant is not present in population databases (ExAC no frequency). This variant has not been reported in the literature in individuals affected with DNAH11-related conditions. Algorithms developed to predict the effect of missense changes on protein structure and function are either unavailable or do not agree on the potential impact of this missense change (SIFT: "Deleterious"; PolyPhen-2: "Probably Damaging"; Align-GVGD: "Class C0"). Nucleotide substitutions within the consensus splice site are a relatively common cause of aberrant splicing (PMID: 17576681, 9536098). Algorithms developed to predict the effect of sequence changes on RNA splicing suggest that this variant may disrupt the consensus splice site. In summary, the available evidence is currently insufficient to determine the role of this variant in disease. Therefore, it has been classified as a Variant of Uncertain Significance.

Literature cited by the submitters: PubMed 17576681; PubMed 9536098.